The following is an entry in ClinVar:

NM_001999.4(FBN2):c.8530G>A (p.Val2844Ile)

Gene: FBN2 (fibrillin 2; minus strand). Cytogenetic location: 5q23.3.
Variant type: single nucleotide variant.
Coding change: c.8530G>A on transcript NM_001999.4 (MANE Select); coding-DNA position 8530, G replaced by A.
Protein change: p.Val2844Ile; replaces valine 2844 with isoleucine.
Molecular consequence: missense variant.
Genome position (GRCh38, 1-based): chr5:128,259,664, C>T on the plus strand (G>A on the coding strand, the complement: FBN2 is on the minus strand). VCF-style: chr5-128259664-C-T. GRCh37 (hg19) VCF-style: chr5-127595356-C-T.
Other names: short protein forms V2844I.
Identifiers: ClinVar variation 213258 (VCV000213258.22), dbSNP rs147134796, ClinGen allele CA324734.

ClinVar aggregate classification (germline): Conflicting classifications of pathogenicity. Review status: criteria provided, conflicting classifications (1 of 4 stars). 4 submissions from 4 submitters: Uncertain significance (1); Benign (1); Likely benign (2). Last evaluated 2025-04-16.

Conditions:
Ehlers-Danlos syndrome (EDS). Identifiers: Orphanet 98249, MedGen C0013720, MONDO:0020066.
Familial thoracic aortic aneurysm and aortic dissection (TAAD). Also called: Thoracic aortic aneurysms and dissections. Identifiers: Orphanet 91387, MedGen C4707243, MONDO:0019625.
Congenital contractural arachnodactyly (CCA). Also called: Beals-Hecht syndrome; BEALS SYNDROME; Arthrogryposis, distal, type 9. Identifiers: Orphanet 115, MedGen C0220668, MONDO:0007363, OMIM 121050.

Allele frequency attached by ClinVar (database versions not stated): ExAC 0.00002; gnomAD exomes 0.00002; gnomAD 0.00007; ESP Exome Variant Server 0.00008; TOPMed 0.00012.
gnomAD v4.1: 46 of 1,613,846 alleles (0.0029%); highest among the groups gnomAD compares: African/African-American, 0.015%; no homozygotes.

Submissions (4):

Ambry Genetics
Classification: Likely benign for Familial thoracic aortic aneurysm and aortic dissection. Last evaluated: 2025-04-16. Review status: criteria provided, single submitter. Criteria: Ambry Variant Classification Scheme 2023. Collection method: clinical testing. Allele origin: germline.

Labcorp Genetics (formerly Invitae), Labcorp
Classification: Benign for Congenital contractural arachnodactyly. Last evaluated: 2024-11-04. Review status: criteria provided, single submitter. Criteria: Invitae Variant Classification Sherloc (09022015). Collection method: clinical testing. Allele origin: germline.

GeneDx
Classification: Uncertain significance. Last evaluated: 2022-08-15. Review status: criteria provided, single submitter. Criteria: GeneDx Variant Classification Process June 2021. Collection method: clinical testing. Allele origin: germline. Affected: yes.
Comment: Has not been previously published as pathogenic or benign to our knowledge; In silico analysis supports that this missense variant does not alter protein structure/function; Not located within exons 24-33, where the majority of pathogenic variants reported to date occur (Callewaert et al., 2009, Frederic et al., 2009); This variant is associated with the following publications: (PMID: 19006240, 18767143)

Genome Diagnostics Laboratory, The Hospital for Sick Children
Classification: Likely benign for Ehlers-Danlos syndrome. Last evaluated: 2019-11-01. Review status: criteria provided, single submitter. Criteria: ACMG Guidelines, 2015. Collection method: clinical testing. Allele origin: germline.